The following is an entry in ClinVar:

ClinVar aggregate classification (germline): Uncertain significance (1 of 4 stars; one submission).

Allele frequency attached by ClinVar (database versions not stated): gnomAD exomes below 0.00001; TOPMed below 0.00001; gnomAD 0.00001.

Submission:

Women's Health and Genetics/Laboratory Corporation of America, LabCorp
Classification: Uncertain significance. Last evaluated: 2023-07-24. Review status: criteria provided, single submitter. Criteria: LabCorp Variant Classification Summary - May 2015. Collection method: clinical testing. Allele origin: germline.
Comment: Variant summary: F9 c.682G>A (p.Val228Ile) results in a conservative amino acid change located in the Serine proteases, trypsin domain (IPR001254) of the encoded protein sequence. This alters a highly conserved residue in which two other missense variants (p.V228L, p.V228F) have been found in association with Haemophilia B (HGMD). Four of five in-silico tools predict a damaging effect of the variant on protein function. The variant was absent in 183450 control chromosomes (gnomAD). The available data on variant occurrences in the general population are insufficient to allow any conclusion about variant significance. To our knowledge, no occurrence of c.682G>A in individuals affected with Factor IX Deficiency (Hemophilia B) and no experimental evidence demonstrating its impact on protein function have been reported. No submitters have cited clinical-significance assessments for this variant to ClinVar after 2014. Based on the evidence outlined above, the variant was classified as uncertain significance.

NM_000133.4(F9):c.682G>A (p.Val228Ile)

Gene: F9 (coagulation factor IX; plus strand). Cytogenetic location: Xq27.1.
Variant type: single nucleotide variant.
Coding change: c.682G>A on transcript NM_000133.4 (MANE Select); coding-DNA position 682, G replaced by A.
Protein change: p.Val228Ile; replaces valine 228 with isoleucine.
Molecular consequence: missense variant.
Genome position (GRCh38, 1-based): chrX:139,551,223, G>A. VCF-style: chrX-139551223-G-A. GRCh37 (hg19) VCF-style: chrX-138633382-G-A.
Other names: c.568G>A, p.Val190Ile (NM_001313913.2); short protein forms V190I, V228I.
Identifiers: ClinVar variation 2577225 (VCV002577225.1), dbSNP rs137852243, ClinGen allele CA414441149.
Genomic context (GRCh38, chrX:139,551,223, plus strand): 5'-GAAACCATTTTGGATAACATCACTCAAAGCACCCAATCATTTAATGACTTCACTCGGGTT[G>A]TTGGTGGAGAAGATGCCAAACCAGGTCAATTCCCTTGGCAGGTACTTTATACTGATGGTG-3'
Protein context (NP_000124.1, residues 218-238): TQSFNDFTRV[Val228Ile]GGEDAKPGQF